The following is an entry in ClinVar:

NM_000548.5(TSC2):c.4939T>G (p.Ser1647Ala)

Gene: TSC2 (TSC complex subunit 2; plus strand). Cytogenetic location: 16p13.3.
Variant type: single nucleotide variant.
Coding change: c.4939T>G on transcript NM_000548.5 (MANE Select); coding-DNA position 4939, T replaced by G.
Protein change: p.Ser1647Ala; replaces serine 1647 with alanine.
Molecular consequence: missense variant. On other transcripts: non-coding transcript variant (5).
Genome position (GRCh38, 1-based): chr16:2,086,821, T>G. VCF-style: chr16-2086821-T-G. GRCh37 (hg19) VCF-style: chr16-2136822-T-G.
Other names: c.4141T>G, p.Ser1381Ala (NM_001406686.1, NM_001406685.1); c.4138T>G, p.Ser1380Ala (NM_001406687.1, NM_001406688.1); c.3526T>G, p.Ser1176Ala (NM_001406689.1); c.4738T>G, p.Ser1580Ala (NM_001077183.3); c.4870T>G, p.Ser1624Ala (NM_001114382.3); c.4630T>G, p.Ser1544Ala (NM_001318827.2); c.4594T>G, p.Ser1532Ala (NM_001318829.2); c.3466T>G, p.Ser1156Ala (NM_001406690.1); and 26 more; short protein forms S1046A, S1132A, S1133A, S1155A, S1156A, S1176A, S1380A, S1381A.
Identifiers: ClinVar variation 3232181 (VCV003232181.2), dbSNP rs2151587714, ClinGen allele CA394308744.

ClinVar aggregate classification (germline): Uncertain significance. Review status: criteria provided, multiple submitters, no conflicts (2 of 4 stars). 2 submissions from 2 submitters: Uncertain significance (2). Last evaluated 2025-11-20.

Conditions:
Tuberous sclerosis 2 (TSC2). Identifiers: Orphanet 805, MedGen C1860707, MONDO:0013199, OMIM 613254.
Hereditary cancer-predisposing syndrome. Also called: Hereditary Cancer Syndrome; Tumor predisposition; Neoplastic Syndromes, Hereditary; Hereditary neoplastic syndrome. Identifiers: Orphanet 140162, MedGen C0027672, MeSH D009386, MONDO:0015356.

Submissions (2):

Labcorp Genetics (formerly Invitae), Labcorp
Classification: Uncertain significance for Tuberous sclerosis 2. Last evaluated: 2025-11-20. Review status: criteria provided, single submitter. Criteria: Invitae Variant Classification Sherloc (09022015). Collection method: clinical testing. Allele origin: germline.
Comment: This sequence change replaces serine, which is neutral and polar, with alanine, which is neutral and non-polar, at codon 1647 of the TSC2 protein (p.Ser1647Ala). This variant is not present in population databases (gnomAD no frequency). This variant has not been reported in the literature in individuals affected with TSC2-related conditions. ClinVar contains an entry for this variant (Variation ID: 3232181). Invitae Evidence Modeling of protein sequence and biophysical properties (such as structural, functional, and spatial information, amino acid conservation, physicochemical variation, residue mobility, and thermodynamic stability) indicates that this missense variant is not expected to disrupt TSC2 protein function with a negative predictive value of 95%. In summary, the available evidence is currently insufficient to determine the role of this variant in disease. Therefore, it has been classified as a Variant of Uncertain Significance.

Ambry Genetics
Classification: Uncertain significance for Hereditary cancer-predisposing syndrome. Last evaluated: 2024-01-17. Review status: criteria provided, single submitter. Criteria: Ambry Variant Classification Scheme 2023. Collection method: clinical testing. Allele origin: germline.
Comment: The p.S1647A variant (also known as c.4939T>G), located in coding exon 37 of the TSC2 gene, results from a T to G substitution at nucleotide position 4939. The serine at codon 1647 is replaced by alanine, an amino acid with similar properties. This amino acid position is conserved. In addition, the in silico prediction for this alteration is inconclusive. Based on the available evidence, the clinical significance of this alteration remains unclear.